The following is an entry in ClinVar:

NM_018979.4(WNK1):c.4147A>G (p.Ile1383Val)

Gene: WNK1 (WNK lysine deficient protein kinase 1; plus strand). Cytogenetic location: 12p13.33.
Variant type: single nucleotide variant.
Coding change: c.4147A>G on transcript NM_018979.4 (MANE Select); coding-DNA position 4147, A replaced by G.
Protein change: p.Ile1383Val; replaces isoleucine 1383 with valine.
Molecular consequence: missense variant.
Genome position (GRCh38, 1-based): chr12:884,951, A>G. VCF-style: chr12-884951-A-G. GRCh37 (hg19) VCF-style: chr12-994117-A-G.
Other names: c.4927A>G, p.Ile1643Val (NM_001184985.2); c.3406A>G, p.Ile1136Val (NM_014823.3); c.4903A>G, p.Ile1635Val (NM_213655.5); short protein forms I1635V, I1643V, I1136V, I1383V.
Identifiers: ClinVar variation 2923176 (VCV002923176.3), dbSNP rs999522221, ClinGen allele CA231479069.

ClinVar aggregate classification (germline): Uncertain significance (1 of 4 stars; one submission).

Conditions:
Neuropathy, hereditary sensory and autonomic, type 2A (HSAN2A). Also called: HSAN IIA; WNK1-Related HSAN2 (HSAN2A); ACROOSTEOLYSIS, GIACCAI TYPE; ACROOSTEOLYSIS, NEUROGENIC; MORVAN DISEASE; NEUROPATHY, CONGENITAL SENSORY. Identifiers: Orphanet 970, MedGen C2752089, MONDO:0024309, OMIM 201300.
Pseudohypoaldosteronism type 2C (PHA2C). Also called: Pseudohypoaldosteronism Type IIC. Identifiers: Orphanet 757, Orphanet 88940, MedGen C1840391, MONDO:0013778, OMIM 614492.

Allele frequency attached by ClinVar (database versions not stated): gnomAD 0.00001; gnomAD exomes 0.00001; TOPMed 0.00001.
gnomAD v4.1: 4 of 1,614,054 alleles (0.00025%); highest among the groups gnomAD compares: Admixed American, 0.0017%; no homozygotes.

Submission:

Labcorp Genetics (formerly Invitae), Labcorp
Classification: Uncertain significance for Neuropathy, hereditary sensory and autonomic, type 2A; Pseudohypoaldosteronism type 2C. Last evaluated: 2024-01-09. Review status: criteria provided, single submitter. Criteria: Invitae Variant Classification Sherloc (09022015). Collection method: clinical testing. Allele origin: germline.
Comment: This sequence change replaces isoleucine, which is neutral and non-polar, with valine, which is neutral and non-polar, at codon 1635 of the WNK1 protein (p.Ile1635Val). This variant is present in population databases (no rsID available, gnomAD 0.003%). This variant has not been reported in the literature in individuals affected with WNK1-related conditions. Advanced modeling of protein sequence and biophysical properties (such as structural, functional, and spatial information, amino acid conservation, physicochemical variation, residue mobility, and thermodynamic stability) performed at Invitae indicates that this missense variant is not expected to disrupt WNK1 protein function with a negative predictive value of 95%. In summary, the available evidence is currently insufficient to determine the role of this variant in disease. Therefore, it has been classified as a Variant of Uncertain Significance.